The following is an entry in ClinVar:

ClinVar aggregate classification (germline): Uncertain significance. Review status: criteria provided, multiple submitters, no conflicts (2 of 4 stars). 2 submissions from 2 submitters: Uncertain significance (2). Last evaluated 2024-11-11.

Allele frequency attached by ClinVar (database versions not stated): gnomAD 0.00005; TOPMed 0.00008; 1000 Genomes Project 30x 0.00016.
gnomAD v4.1: 17 of 1,613,738 alleles (0.0011%); highest among the groups gnomAD compares: African/African-American, 0.016%; no homozygotes.

Submissions (2):

Labcorp Genetics (formerly Invitae), Labcorp
Classification: Uncertain significance. Last evaluated: 2024-11-11. Review status: criteria provided, single submitter. Criteria: Invitae Variant Classification Sherloc (09022015). Collection method: clinical testing. Allele origin: germline.
Comment: This sequence change replaces leucine, which is neutral and non-polar, with valine, which is neutral and non-polar, at codon 9 of the TTLL5 protein (p.Leu9Val). This variant is present in population databases (rs747924529, gnomAD 0.03%). This variant has not been reported in the literature in individuals affected with TTLL5-related conditions. ClinVar contains an entry for this variant (Variation ID: 968919). Invitae Evidence Modeling of protein sequence and biophysical properties (such as structural, functional, and spatial information, amino acid conservation, physicochemical variation, residue mobility, and thermodynamic stability) indicates that this missense variant is not expected to disrupt TTLL5 protein function with a negative predictive value of 80%. In summary, the available evidence is currently insufficient to determine the role of this variant in disease. Therefore, it has been classified as a Variant of Uncertain Significance.

Blueprint Genetics
Classification: Uncertain significance. Last evaluated: 2023-03-31. Review status: criteria provided, single submitter. Criteria: ACMG Guidelines, 2015. Collection method: clinical testing. Allele origin: germline.

NM_015072.5(TTLL5):c.25C>G (p.Leu9Val)

Gene: TTLL5 (tubulin tyrosine ligase like 5; plus strand). Cytogenetic location: 14q24.3.
Variant type: single nucleotide variant.
Coding change: c.25C>G on transcript NM_015072.5 (MANE Select); coding-DNA position 25, C replaced by G.
Protein change: p.Leu9Val; replaces leucine 9 with valine.
Molecular consequence: missense variant.
Genome position (GRCh38, 1-based): chr14:75,663,174, C>G. VCF-style: chr14-75663174-C-G. GRCh37 (hg19) VCF-style: chr14-76129517-C-G.
Other names: short protein forms L9V.
Identifiers: ClinVar variation 968919 (VCV000968919.10), dbSNP rs747924529, ClinGen allele CA7278775.
Genomic context (GRCh38, chr14:75,663,174, plus strand): 5'-CCCCGTCTGCTGACTGCATGACAAACCCTAAAGGAAATGCCAATCGTGATGGCCCGGGAC[C>G]TGGAGGAAACAGCATCATCCTCAGAGGATGAGGAGGTCATAAGTCAAGAGTAAGTAATAG-3'
Protein context (NP_055887.3, residues 1-19): MPIVMARD[Leu9Val]EETASSSEDE